The following is an entry in ClinVar:

ClinVar aggregate classification (germline): Uncertain significance (1 of 4 stars; one submission).

Conditions:
Inborn genetic diseases. Identifiers: MedGen C0950123, MeSH D030342.

Submission:

Ambry Genetics
Classification: Uncertain significance for Inborn genetic diseases. Last evaluated: 2026-06-24. Review status: criteria provided, single submitter. Criteria: Ambry Variant Classification Scheme 2023. Collection method: clinical testing. Allele origin: germline.
Comment: The p.F265S variant (also known as c.794T>C), located in coding exon 9 of the RTEL1 gene, results from a T to C substitution at nucleotide position 794. The phenylalanine at codon 265 is replaced by serine, an amino acid with highly dissimilar properties. This amino acid position is conserved. In addition, the in silico prediction for this alteration is inconclusive. Based on the available evidence, the clinical significance of this variant remains unclear.

NM_001283009.2(RTEL1):c.794T>C (p.Phe265Ser)

Genes: RTEL1 (regulator of telomere elongation helicase 1; plus strand), RTEL1-TNFRSF6B (RTEL1-TNFRSF6B readthrough (NMD candidate); plus strand). Cytogenetic location: 20q13.33.
Variant type: single nucleotide variant.
Coding change: c.794T>C on transcript NM_001283009.2 (MANE Select); coding-DNA position 794, T replaced by C.
Protein change: p.Phe265Ser; replaces phenylalanine 265 with serine.
Molecular consequence: missense variant. On other transcripts: non-coding transcript variant (1).
Genome position (GRCh38, 1-based): chr20:63,673,968, T>C. VCF-style: chr20-63673968-T-C. GRCh37 (hg19) VCF-style: chr20-62305321-T-C.
Other names: c.125T>C, p.Phe42Ser (NM_001283010.1); c.794T>C, p.Phe265Ser (NM_016434.4); c.866T>C, p.Phe289Ser (NM_032957.5); short protein forms F289S, F42S, F265S.
Identifiers: ClinVar variation 5028465 (VCV005028465.1).